The following is an entry in ClinVar:

ClinVar aggregate classification (germline): Uncertain significance (1 of 4 stars; one submission).

Conditions:
MEGF10-related myopathy (CMYO10A). Also called: Congenital myopathy 10A, severe variant. Identifiers: Orphanet 439212, MedGen C3280679, MONDO:0013731, OMIM 614399.

gnomAD v4.1: 5 of 1,614,188 alleles (0.00031%); highest among the groups gnomAD compares: Non-Finnish European, 0.00042%; no homozygotes.

Submission:

Labcorp Genetics (formerly Invitae), Labcorp
Classification: Uncertain significance for MEGF10-related myopathy. Last evaluated: 2022-06-04. Review status: criteria provided, single submitter. Criteria: Invitae Variant Classification Sherloc (09022015). Collection method: clinical testing. Allele origin: germline.
Comment: Algorithms developed to predict the effect of missense changes on protein structure and function output the following: SIFT: "Tolerated"; PolyPhen-2: "Benign"; Align-GVGD: "Class C0". The serine amino acid residue is found in multiple mammalian species, which suggests that this missense change does not adversely affect protein function. ClinVar contains an entry for this variant (Variation ID: 647817). This variant has not been reported in the literature in individuals affected with MEGF10-related conditions. This variant is not present in population databases (gnomAD no frequency). This sequence change replaces asparagine, which is neutral and polar, with serine, which is neutral and polar, at codon 1065 of the MEGF10 protein (p.Asn1065Ser). Algorithms developed to predict the effect of sequence changes on RNA splicing suggest that this variant may create or strengthen a splice site. In summary, the available evidence is currently insufficient to determine the role of this variant in disease. Therefore, it has been classified as a Variant of Uncertain Significance.

NM_001256545.2(MEGF10):c.3194A>G (p.Asn1065Ser)

Gene: MEGF10 (multiple EGF like domains 10; plus strand). Cytogenetic location: 5q23.2.
Variant type: single nucleotide variant.
Coding change: c.3194A>G on transcript NM_001256545.2 (MANE Select); coding-DNA position 3194, A replaced by G.
Protein change: p.Asn1065Ser; replaces asparagine 1065 with serine.
Molecular consequence: missense variant.
Genome position (GRCh38, 1-based): chr5:127,455,569, A>G. VCF-style: chr5-127455569-A-G. GRCh37 (hg19) VCF-style: chr5-126791261-A-G.
Other names: c.3194A>G, p.Asn1065Ser (NM_032446.3); short protein forms N1065S.
Identifiers: ClinVar variation 647817 (VCV000647817.9), dbSNP rs770189857, ClinGen allele CA360717487.